The following is an entry in ClinVar:

NM_001080.3(ALDH5A1):c.1558G>C (p.Gly520Arg)

Gene: ALDH5A1 (aldehyde dehydrogenase 5 family member A1; plus strand). Cytogenetic location: 6p22.3.
Variant type: single nucleotide variant.
Coding change: c.1558G>C on transcript NM_001080.3 (MANE Select); coding-DNA position 1558, G replaced by C.
Protein change: p.Gly520Arg; replaces glycine 520 with arginine.
Molecular consequence: missense variant.
Genome position (GRCh38, 1-based): chr6:24,533,662, G>C. VCF-style: chr6-24533662-G-C. GRCh37 (hg19) VCF-style: chr6-24533890-G-C.
Other names: c.1414G>C, p.Gly472Arg (NM_001368954.1); c.1597G>C, p.Gly533Arg (NM_170740.1); short protein forms G472R, G520R, G533R.
Identifiers: ClinVar variation 3236167 (VCV003236167.1), dbSNP rs1179619995, ClinGen allele CA362967803.

ClinVar aggregate classification (germline): Likely pathogenic (1 of 4 stars; one submission).

Conditions:
Succinate-semialdehyde dehydrogenase deficiency (SSADHD). Also called: Succinic Semialdehyde Dehydrogenase Deficiency; SSADH DEFICIENCY; 4-HYDROXYBUTYRIC ACIDURIA; GABA METABOLIC DEFECT. Identifiers: Orphanet 22, MedGen C0268631, MONDO:0010083, OMIM 271980.

gnomAD v4.1: 1 of 1,614,100 alleles (0.000062%); highest among the groups gnomAD compares: Non-Finnish European, 0.000085%; no homozygotes.

Submission:

Elsea Laboratory, Baylor College of Medicine
Classification: Likely pathogenic for Succinate-semialdehyde dehydrogenase deficiency. Last evaluated: 2024-05-13. Review status: criteria provided, single submitter. Criteria: ACMG Guidelines, 2015. Collection method: clinical testing. Allele origin: germline. Affected: yes.
Comment: The c.1558G>C p.(Gly520Arg) variant in the ALDH5A1 gene, is located in exon 10, and replaces glycine with arginine at codon 520. This variant has been observed in trans with a known pathogenic variant in one individual affected with succinic semialdehyde dehyrdogenase deficiency and elevated GHB (Glinton, Gijavanekar et al., 2024, Frontiers in Neurogenomics). This variant is absent in gnomAD. Therefore, this variant is classified as likely pathogenic. ACMG variant classification evidence codes: PM2Supp+PM3+PP4+PP1+PP3